The following is an entry in ClinVar:

ClinVar aggregate classification (germline): Pathogenic/Likely pathogenic. Review status: criteria provided, multiple submitters, no conflicts (2 of 4 stars). 8 submissions from 8 submitters: Pathogenic (5); Likely pathogenic (1). 2 of the submissions do not count toward it. Last evaluated 2025-09-12.

Conditions:
Retinitis pigmentosa (RP). Identifiers: Orphanet 791, MedGen C0035334, MeSH D012174, MONDO:0019200, OMIM 268000. Inheritance: Autosomal dominant, autosomal recessive and X linked inheritance.
Retinitis pigmentosa 37 (RP37). Identifiers: Orphanet 791, MedGen C1970163, MONDO:0012625, OMIM 611131.
Enhanced S-cone syndrome (ESCS). Identifiers: Orphanet 53540, MedGen C1849394, MONDO:0100288, MONDO:0009989.
NR2E3-related disorder. Also called: NR2E3-related disorders; NR2E3-related condition. Identifiers: MedGen CN239387.

Submissions (8):

Natera, Inc.
Classification: Pathogenic for Enhanced S cone syndrome. Last evaluated: 2025-09-12. Review status: criteria provided, single submitter. Criteria: Natera Variant Classification Schema (03/2026). Collection method: clinical testing. Allele origin: germline.
Comment: The c.194_202delACGGCTGCA variant in NR2E3 is an in-frame deletion. This variant is rare in the general population with a frequency below the threshold expected for the associated phenotype(s). This variant has been observed in one or more individuals affected with the associated recessive disease, as either homozygous or compound heterozygous with a second variant (PMID: 19273793, 15459973, 21364904). This variant results in a change to the protein length while preserving reading frame, which may disrupt normal protein structure or function. Given the available evidence, this variant is classified as Pathogenic.

Labcorp Genetics (formerly Invitae), Labcorp
Classification: Pathogenic. Last evaluated: 2025-05-23. Review status: criteria provided, single submitter. Criteria: Invitae Variant Classification Sherloc (09022015). Collection method: clinical testing. Allele origin: germline.
Comment: This variant, c.194_202del, results in the deletion of 3 amino acid(s) of the NR2E3 protein (p.Asn65_Cys67del), but otherwise preserves the integrity of the reading frame. This variant is present in population databases (no rsID available, gnomAD 0.008%). This variant has been observed in individual(s) with autosomal recessive enhanced S-cone syndrome/Goldmann-Favre syndrome (PMID: 12963616, 19273793, 19898638, 21364904, 28541266). In at least one individual the data is consistent with being in trans (on the opposite chromosome) from a pathogenic variant. ClinVar contains an entry for this variant (Variation ID: 551852). Experimental studies and prediction algorithms are not available or were not evaluated, and the functional significance of this variant is currently unknown. For these reasons, this variant has been classified as Pathogenic.

Baylor Genetics
Classification: Pathogenic for ENHANCED S-CONE SYNDROME 1. Last evaluated: 2024-03-20. Review status: criteria provided, single submitter. Criteria: ACMG Guidelines, 2015. Collection method: clinical testing. Allele origin: unknown.

3billion
Classification: Likely pathogenic for ENHANCED S-CONE SYNDROME 1. Last evaluated: 2024-02-19. Review status: criteria provided, single submitter. Criteria: ACMG Guidelines, 2015. Collection method: clinical testing. Allele origin: germline. Affected: yes.
Comment: The variant is observed at an extremely low frequency in the gnomAD v2.1.1 dataset (total allele frequency: 0.001%). Predicted Consequence/Location: Inframe deletion located in a nonrepeat region: predicted to change the length of the protein and disrupt normal protein function. The variant has been reported at least twice as pathogenic with clinical assertions and evidence for the classification (ClinVar ID: VCV000551852 /PMID: 10655056). Therefore, this variant is classified as Likely pathogenic according to the recommendation of ACMG/AMP guideline.

Blueprint Genetics
Classification: Pathogenic for NR2E3-related disorders. Last evaluated: 2023-08-30. Review status: criteria provided, single submitter. Criteria: ACMG Guidelines, 2015. Collection method: clinical testing. Allele origin: germline. Affected: yes. Observed: 5 variant alleles.

Fulgent Genetics
Classification: Pathogenic for ENHANCED S-CONE SYNDROME 1; Retinitis pigmentosa 37. Last evaluated: 2021-09-21. Review status: criteria provided, single submitter. Criteria: ACMG Guidelines, 2015. Collection method: clinical testing. Allele origin: unknown.

Sharon lab, Hadassah-Hebrew University Medical Center
Classification: Pathogenic for Retinitis pigmentosa. Last evaluated: 2019-06-23. Review status: no assertion criteria provided. Collection method: research. Allele origin: inherited. Affected: yes. Not counted in ClinVar's aggregate classification.

Counsyl
Classification: Likely pathogenic for Retinitis pigmentosa 37; ENHANCED S-CONE SYNDROME 1. Last evaluated: 2017-05-09. Review status: no assertion criteria provided. Collection method: clinical testing. Allele origin: unknown. Not counted in ClinVar's aggregate classification.

Literature cited by the submitters: PubMed 19273793 (cited by 3 submitters); PubMed 15459973 (cited by Natera, Inc. and Counsyl); PubMed 21364904 (cited by 3 submitters); PubMed 12963616 (cited by Labcorp Genetics (formerly Invitae), Labcorp and Counsyl); PubMed 19898638 (cited by Labcorp Genetics (formerly Invitae), Labcorp and Counsyl); PubMed 28541266 (cited by Labcorp Genetics (formerly Invitae), Labcorp); PubMed 10655056 (cited by 3billion and Counsyl); PubMed 27032803 (cited by Counsyl).

NM_014249.4(NR2E3):c.194_202del (p.Asn65_Cys67del)

Gene: NR2E3 (nuclear receptor subfamily 2 group E member 3; plus strand). Cytogenetic location: 15q23.
Variant type: Deletion.
Coding change: c.194_202del on transcript NM_014249.4 (MANE Select); coding-DNA positions 194 to 202, 9 bases deleted (ACGGCTGCA; older notation c.194_202delACGGCTGCA).
Protein change: p.Asn65_Cys67del.
Molecular consequence: inframe deletion.
Genome position (GRCh38, 1-based): chr15:71,811,558-71,811,566, ACGGCTGCA deleted; deleting any 9 consecutive bases within chr15:71,811,553-71,811,566 gives the same sequence; the c. name uses the placement nearest the transcript's 3' end. VCF-style (leftmost placement, unchanged base first): chr15-71811552-CCTGCAACGG-C. GRCh37 (hg19) VCF-style: chr15-72103892-CCTGCAACGG-C.
Other names: c.194_202del (NM_014249.2); c.194_202delACGGCTGCA (NM_014249.3); c.194_202del, p.Asn65_Cys67del (NM_016346.4).
Identifiers: ClinVar variation 551852 (VCV000551852.18), dbSNP rs1555454566, ClinGen allele CA618960734.